The following is an entry in ClinVar:

ClinVar aggregate classification (germline): Uncertain significance (1 of 4 stars; one submission).

Submission:

Labcorp Genetics (formerly Invitae), Labcorp
Classification: Uncertain significance. Last evaluated: 2025-12-30. Review status: criteria provided, single submitter. Criteria: Invitae Variant Classification Sherloc (09022015). Collection method: clinical testing. Allele origin: germline.
Comment: This sequence change replaces histidine, which is basic and polar, with glutamine, which is neutral and polar, at codon 1007 of the BRD4 protein (p.His1007Gln). This variant is not present in population databases (gnomAD no frequency). This variant has not been reported in the literature in individuals affected with BRD4-related conditions. ClinVar contains an entry for this variant (Variation ID: 2417225). An algorithm developed to predict the effect of missense changes on protein structure and function (PolyPhen-2) suggests that this variant is likely to be tolerated. In summary, the available evidence is currently insufficient to determine the role of this variant in disease. Therefore, it has been classified as a Variant of Uncertain Significance.

NM_001379291.1(BRD4):c.3021C>A (p.His1007Gln)

Gene: BRD4 (bromodomain containing 4; minus strand). Cytogenetic location: 19p13.12.
Variant type: single nucleotide variant.
Coding change: c.3021C>A on transcript NM_001379291.1 (MANE Select); coding-DNA position 3021, C replaced by A.
Protein change: p.His1007Gln; replaces histidine 1007 with glutamine.
Molecular consequence: missense variant.
Genome position (GRCh38, 1-based): chr19:15,243,048, G>T on the plus strand (C>A on the coding strand, the complement: BRD4 is on the minus strand). VCF-style: chr19-15243048-G-T. GRCh37 (hg19) VCF-style: chr19-15353859-G-T.
Other names: c.3021C>A, p.His1007Gln (NM_058243.3); short protein forms H1007Q.
Identifiers: ClinVar variation 2417225 (VCV002417225.6), dbSNP rs2047251932, ClinGen allele CA404503498.
Genomic context (GRCh38, chr19:15,243,048, plus strand): 5'-CTGCTGGCCTGGGGGCGGATGGGGGGGCTGCTGGCCCTGGGGTGGCGGGGGCTGTTGGAT[G>T]TGGGTGGAAAACTGCATGGGCTGCAAGTGCACGGGCCGTGGAGGGGGCTGATGCTGCTGC-3'
Protein context (NP_001366220.1, residues 997-1017): VHLQPMQFST[His1007Gln]IQQPPPPQGQ